The following is an entry in ClinVar:

ClinVar aggregate classification (germline): Uncertain significance (1 of 4 stars; one submission).

Conditions:
Hereditary fructosuria. Also called: Fructose intolerance; ALDOB DEFICIENCY; ALDOLASE B DEFICIENCY; FRUCTOSE-1,6-BISPHOSPHATE ALDOLASE B DEFICIENCY; FRUCTOSE-1-PHOSPHATE ALDOLASE DEFICIENCY; FRUCTOSEMIA. Identifiers: Orphanet 469, MedGen C0016751, MONDO:0009249, OMIM 229600, HP:0005973. Disease mechanism: loss of function.

Submission:

MVZ Dr. Eberhard & Partner Dortmund
Classification: Uncertain significance for Hereditary fructosuria. Last evaluated: 2023-08-15. Review status: criteria provided, single submitter. Criteria: ACMG Guidelines, 2015. Collection method: clinical testing. Allele origin: unknown. Observed: 1 heterozygote.
Comment: This variant was absent from literature, variant databases and control databases. The computational evidence is inconclusive.

NM_000035.4(ALDOB):c.37A>C (p.Lys13Gln)

Gene: ALDOB (aldolase, fructose-bisphosphate B; minus strand). Cytogenetic location: 9q31.1.
Variant type: single nucleotide variant.
Coding change: c.37A>C on transcript NM_000035.4 (MANE Select); coding-DNA position 37, A replaced by C.
Protein change: p.Lys13Gln; replaces lysine 13 with glutamine.
Molecular consequence: missense variant.
Genome position (GRCh38, 1-based): chr9:101,430,851, T>G on the plus strand (A>C on the coding strand, the complement: ALDOB is on the minus strand). VCF-style: chr9-101430851-T-G. GRCh37 (hg19) VCF-style: chr9-104193133-T-G.
Other names: short protein forms K13Q.
Identifiers: ClinVar variation 2775413 (VCV002775413.2), dbSNP rs2490130664, ClinGen allele CA374266246.